The following is an entry in ClinVar:

NC_000016.9:g.(?_46690043)_(46723091_?)dup

Gene: VPS35 (VPS35 retromer complex component; minus strand). Cytogenetic location: 16q11.2.
Variant type: Duplication.
Identifiers: ClinVar variation 3366725 (VCV003366725.1).

ClinVar aggregate classification (germline): Uncertain significance (1 of 4 stars; one submission).

Submission:

Women's Health and Genetics/Laboratory Corporation of America, LabCorp
Classification: Uncertain significance. Last evaluated: 2024-08-19. Review status: criteria provided, single submitter. Criteria: LabCorp Variant Classification Summary - May 2015. Collection method: clinical testing. Allele origin: germline.
Comment: Variant summary: The variant involves the duplication of exons 1-17 (entire coding region) in the VPS35 gene. This duplication includes the entire coding sequence of the gene. As exact breakpoints are unknown, it may extend beyond the annotated region of the gene, to include other flanking genes. A presumed nomenclature of c.(?_-46)_(*4341_?)dup has been designated for the purposes of this classification. Similar variant allele was found at a frequency of 0.00032 in 21694 control chromosomes in the gnomAD database, including 1 homozygotes (gnomAD Structural Variants database). The available data on variant occurrences in the general population are insufficient to allow any conclusion about variant significance. To our knowledge, no occurrence of c.(?_-46)_(*4341_?)dup in individuals affected with Parkinson Disease 17 and no experimental evidence demonstrating its impact on protein function have been reported. ClinVar contains an entry for this variant (Variation ID: 1412147). Based on the evidence outlined above, the variant was classified as uncertain significance.